The following is an entry in ClinVar:

ClinVar aggregate classification (germline): Uncertain significance (1 of 4 stars; one submission).

Conditions:
Neuropathy, hereditary sensory and autonomic, type 2A (HSAN2A). Also called: HSAN IIA; MORVAN DISEASE; NEUROPATHY, CONGENITAL SENSORY; NEUROPATHY, HEREDITARY SENSORY RADICULAR, AUTOSOMAL RECESSIVE; NEUROPATHY, HEREDITARY SENSORY, TYPE IIA; NEUROPATHY, PROGRESSIVE SENSORY, OF CHILDREN. Identifiers: Orphanet 970, MedGen C2752089, MONDO:0024309, OMIM 201300.
Generalized epilepsy with febrile seizures plus, type 7 (GEFSP7). Also called: GEFS+, TYPE 7. Identifiers: Orphanet 36387, MedGen C2751778, MONDO:0013470, OMIM 613863.

Allele frequency attached by ClinVar (database versions not stated): gnomAD 0.00001; TOPMed 0.00005.
gnomAD v4.1: 18 of 1,599,188 alleles (0.0011%); highest among the groups gnomAD compares: East Asian, 0.034%; no homozygotes.

Submission:

Labcorp Genetics (formerly Invitae), Labcorp
Classification: Uncertain significance for Neuropathy, hereditary sensory and autonomic, type 2A; Generalized epilepsy with febrile seizures plus, type 7. Last evaluated: 2019-06-03. Review status: criteria provided, single submitter. Criteria: Invitae Variant Classification Sherloc (09022015). Collection method: clinical testing. Allele origin: germline.
Comment: This sequence change replaces asparagine with aspartic acid at codon 1568 of the SCN9A protein (p.Asn1568Asp). The asparagine residue is highly conserved and there is a small physicochemical difference between asparagine and aspartic acid. This variant is present in population databases (rs755887452, ExAC 0.1%). This variant has not been reported in the literature in individuals with SCN9A-related disease. Algorithms developed to predict the effect of missense changes on protein structure and function do not agree on the potential impact of this missense change (SIFT: "Deleterious"; PolyPhen-2: "Probably Damaging"; Align-GVGD: "Class C15"). In summary, the available evidence is currently insufficient to determine the role of this variant in disease. Therefore, it has been classified as a Variant of Uncertain Significance.

NM_001365536.1(SCN9A):c.4735A>G (p.Asn1579Asp)

Genes: SCN9A (sodium voltage-gated channel alpha subunit 9; minus strand), SCN1A-AS1 (SCN1A and SCN9A antisense RNA 1; plus strand). Cytogenetic location: 2q24.3.
Variant type: single nucleotide variant.
Coding change: c.4735A>G on transcript NM_001365536.1 (MANE Select); coding-DNA position 4735, A replaced by G.
Protein change: p.Asn1579Asp; replaces asparagine 1579 with aspartic acid.
Molecular consequence: missense variant.
Genome position (GRCh38, 1-based): chr2:166,203,994, T>C on the plus strand (A>G on the coding strand, the complement: SCN9A is on the minus strand). VCF-style: chr2-166203994-T-C. GRCh37 (hg19) VCF-style: chr2-167060504-T-C.
Other names: c.4702A>G, p.Asn1568Asp (NM_002977.4); short protein forms N1579D, N1568D.
Identifiers: ClinVar variation 861313 (VCV000861313.10), dbSNP rs755887452, ClinGen allele CA1943797.
Genomic context (GRCh38, chr2:166,203,994, plus strand): 5'-CTGAAAAATAAATATTCTTACCTACAATGGAGATAATCACAACCACAAAATCAAAAATAT[T>C]CCATCCTACAGTGAAGTAGTAGTGTCTGAGGGAGATCAGTTTTAGCACACATTCTCCAGT-3'
Protein context (NP_001352465.1, residues 1569-1589): LRHYYFTVGW[Asn1579Asp]IFDFVVVIIS